The following is an entry in ClinVar:

NM_013444.4(UBQLN2):c.1517C>T (p.Pro506Leu)

Gene: UBQLN2 (ubiquilin 2; plus strand). Cytogenetic location: Xp11.21.
Variant type: single nucleotide variant.
Coding change: c.1517C>T on transcript NM_013444.4 (MANE Select); coding-DNA position 1517, C replaced by T.
Protein change: p.Pro506Leu; replaces proline 506 with leucine.
Molecular consequence: missense variant.
Genome position (GRCh38, 1-based): chrX:56,565,390, C>T. VCF-style: chrX-56565390-C-T. GRCh37 (hg19) VCF-style: chrX-56591823-C-T.
Other names: short protein forms P506L.
Identifiers: ClinVar variation 2630374 (VCV002630374.1), dbSNP rs2519963370, ClinGen allele CA413380727.

ClinVar aggregate classification (germline): Likely pathogenic (1 of 4 stars; one submission).

Conditions:
UBQLN2-related disorder. Also called: UBQLN2-related condition.

Submission:

PreventionGenetics, part of Exact Sciences
Classification: Likely pathogenic for UBQLN2-related condition. Last evaluated: 2023-01-26. Review status: criteria provided, single submitter. Criteria: ACMG Guidelines, 2015. Collection method: clinical testing. Allele origin: germline.
Comment: The UBQLN2 c.1517C>T variant is predicted to result in the amino acid substitution p.Pro506Leu. Experimental studies suggest this variant may impact UBQLN2 protein oligomerization and phase separation (Yang and Dao et al. 2019. PubMed ID: 30925840). This variant has not been reported in a large population database, indicating this variant is rare. Alternate nucleotide changes affecting the same amino acid (p.Pro506Ala, p.Pro506Ser, and p.Pro506Thr) have been reported in individuals with amyotrophic lateral sclerosis and experimental studies suggest these variants impact protein function (Ceballos-Diaz et al. 2015. PubMed ID: 26152284; Dao et al. 2019. PubMed ID: 30982635; Deng et al. 2011. PubMed ID: 21857683; Gellera et al. 2013. PubMed ID: 23138764; Gkazi et al. 2019. PubMed ID: 30348461; Teyssou et al. 2017. PubMed ID: 28716533). The c.1517C>T (p.Pro506Leu) variant is interpreted as likely pathogenic.